The following is an entry in ClinVar:

ClinVar aggregate classification (germline): Conflicting classifications of pathogenicity. Review status: criteria provided, conflicting classifications (1 of 4 stars). 4 submissions from 4 submitters: Uncertain significance (3); Likely benign (1). Last evaluated 2024-11-28.

Conditions:
Cardiovascular phenotype. Identifiers: MedGen CN230736.
Long QT syndrome (LQTS). Identifiers: MedGen C0023976, MeSH D008133, MONDO:0002442. Disease mechanism: loss of function. Inheritance: Various modes of inheritance.

Allele frequency attached by ClinVar (database versions not stated): gnomAD exomes below 0.00001; ExAC 0.00001; gnomAD 0.00001; TOPMed 0.00001.
gnomAD v4.1: 5 of 1,614,052 alleles (0.00031%); highest among the groups gnomAD compares: South Asian, 0.0011%; no homozygotes.

Submissions (4):

Labcorp Genetics (formerly Invitae), Labcorp
Classification: Uncertain significance for Long QT syndrome. Last evaluated: 2024-11-28. Review status: criteria provided, single submitter. Criteria: Invitae Variant Classification Sherloc (09022015). Collection method: clinical testing. Allele origin: germline.
Comment: This sequence change replaces cysteine, which is neutral and slightly polar, with tyrosine, which is neutral and polar, at codon 3508 of the AKAP9 protein (p.Cys3508Tyr). This variant is present in population databases (rs750007670, gnomAD 0.0009%). This variant has not been reported in the literature in individuals affected with AKAP9-related conditions. ClinVar contains an entry for this variant (Variation ID: 191397). An algorithm developed to predict the effect of missense changes on protein structure and function outputs the following: PolyPhen-2: "Benign". The tyrosine amino acid residue is found in multiple mammalian species, which suggests that this missense change does not adversely affect protein function. In summary, the available evidence is currently insufficient to determine the role of this variant in disease. Therefore, it has been classified as a Variant of Uncertain Significance.

Women's Health and Genetics/Laboratory Corporation of America, LabCorp
Classification: Uncertain significance. Last evaluated: 2023-10-19. Review status: criteria provided, single submitter. Criteria: LabCorp Variant Classification Summary - May 2015. Collection method: clinical testing. Allele origin: germline.

Ambry Genetics
Classification: Likely benign for Cardiovascular phenotype. Last evaluated: 2023-10-17. Review status: criteria provided, single submitter. Criteria: Ambry Variant Classification Scheme 2023. Collection method: clinical testing. Allele origin: germline.

Biesecker Lab/Clinical Genomics Section, National Institutes of Health
Classification: Uncertain significance. Last evaluated: 2013-06-24. Review status: criteria provided, single submitter. Criteria: Ng et al. (Circ Cardiovasc Genet. 2013). Collection method: research. Allele origin: unknown. Observed: 1 variant allele. Study: ClinSeq.
Comment: The study set was not selected for affection status in relation to any cancer. Pathogenicity categories were based on literature curation. See Pubmed ID:23861362 for details.

Medical sequencing

NM_005751.5(AKAP9):c.10523G>A (p.Cys3508Tyr)

Gene: AKAP9 (A-kinase anchoring protein 9; plus strand). Cytogenetic location: 7q21.2.
Variant type: single nucleotide variant.
Coding change: c.10523G>A on transcript NM_005751.5 (MANE Select); coding-DNA position 10523, G replaced by A.
Protein change: p.Cys3508Tyr; replaces cysteine 3508 with tyrosine.
Molecular consequence: missense variant.
Genome position (GRCh38, 1-based): chr7:92,097,710, G>A. VCF-style: chr7-92097710-G-A. GRCh37 (hg19) VCF-style: chr7-91727024-G-A.
Other names: c.5168G>A, p.Cys1723Tyr (NM_001379277.1); c.10499G>A, p.Cys3500Tyr (NM_147185.3); short protein forms C3508Y, C3500Y, C1723Y.
Identifiers: ClinVar variation 191397 (VCV000191397.6), dbSNP rs750007670, ClinGen allele CA236515.
Genomic context (GRCh38, chr7:92,097,710, plus strand): 5'-GAGAAACAAAAGAATCAAACTACGCTAAATTGATTGAAATGAATGGAGGAGGAACCGGCT[G>A]TAATCATGAATTAGAAATGATCAGACAAAAGCTTCAATGTGTAGCTTCAAAACTACAGGT-3'
Protein context (NP_005742.4, residues 3498-3518): LIEMNGGGTG[Cys3508Tyr]NHELEMIRQK